The following is an entry in ClinVar:

NM_000271.5(NPC1):c.3681G>A (p.Arg1227=)

Gene: NPC1 (NPC intracellular cholesterol transporter 1; minus strand). Cytogenetic location: 18q11.2.
Variant type: single nucleotide variant.
Coding change: c.3681G>A on transcript NM_000271.5 (MANE Select); coding-DNA position 3681, G replaced by A.
Protein change: p.Arg1227=; no amino-acid change (arginine 1227 retained).
Molecular consequence: synonymous variant.
Genome position (GRCh38, 1-based): chr18:23,533,428, C>T on the plus strand (G>A on the coding strand, the complement: NPC1 is on the minus strand). VCF-style: chr18-23533428-C-T. GRCh37 (hg19) VCF-style: chr18-21113392-C-T.
Other names: c.3681G>A (NM_000271.4).
Identifiers: ClinVar variation 1607443 (VCV001607443.9), dbSNP rs1363776523, ClinGen allele CA503322028.

ClinVar aggregate classification (germline): Likely benign. Review status: criteria provided, multiple submitters, no conflicts (2 of 4 stars). 2 submissions from 2 submitters: Likely benign (2). Last evaluated 2025-07-16.

Conditions:
Niemann-Pick disease, type C1. Also called: NEUROVISCERAL STORAGE DISEASE WITH VERTICAL SUPRANUCLEAR OPHTHALMOPLEGIA; NIEMANN-PICK DISEASE WITH CHOLESTEROL ESTERIFICATION BLOCK; NIEMANN-PICK DISEASE WITHOUT SPHINGOMYELINASE DEFICIENCY; NIEMANN-PICK DISEASE, CHRONIC NEURONOPATHIC FORM; NIEMANN-PICK DISEASE, VARIANT TYPE C1. Identifiers: Orphanet 646, MedGen C3179455, MONDO:0009757, OMIM 257220.
NPC1-related disorder. Also called: NPC1-related condition.

Allele frequency attached by ClinVar (database versions not stated): gnomAD exomes below 0.00001.
gnomAD v4.1: 1 of 1,614,084 alleles (0.000062%); highest among the groups gnomAD compares: Admixed American, 0.0017%; no homozygotes.

Submissions (2):

PreventionGenetics, part of Exact Sciences
Classification: Likely benign for NPC1-related condition. Last evaluated: 2025-07-16. Review status: criteria provided, single submitter. Criteria: ACMG Guidelines, 2015. Collection method: clinical testing. Allele origin: germline.
Comment: This variant is classified as likely benign based on ACMG/AMP sequence variant interpretation guidelines (Richards et al. 2015 PMID: 25741868, with internal and published modifications).

Labcorp Genetics (formerly Invitae), Labcorp
Classification: Likely benign for Niemann-Pick disease, type C1. Last evaluated: 2022-06-20. Review status: criteria provided, single submitter. Criteria: Invitae Variant Classification Sherloc (09022015). Collection method: clinical testing. Allele origin: germline.